The following is an entry in ClinVar:

ClinVar aggregate classification (germline): Uncertain significance (1 of 4 stars; one submission).

Submission:

GeneDx
Classification: Uncertain significance. Last evaluated: 2024-01-12. Review status: criteria provided, single submitter. Criteria: GeneDx Variant Classification Process June 2021. Collection method: clinical testing. Allele origin: germline. Affected: yes.
Comment: Not observed at significant frequency in large population cohorts (gnomAD); In silico analysis supports that this missense variant does not alter protein structure/function; Has not been previously published as pathogenic or benign to our knowledge

NM_014946.4(SPAST):c.56C>G (p.Pro19Arg)

Gene: SPAST (spastin; plus strand). Cytogenetic location: 2p22.3.
Variant type: single nucleotide variant.
Coding change: c.56C>G on transcript NM_014946.4 (MANE Select); coding-DNA position 56, C replaced by G.
Protein change: p.Pro19Arg; replaces proline 19 with arginine.
Molecular consequence: missense variant.
Genome position (GRCh38, 1-based): chr2:32,063,887, C>G. VCF-style: chr2-32063887-C-G. GRCh37 (hg19) VCF-style: chr2-32288956-C-G.
Other names: c.56C>G, p.Pro19Arg (NM_001363823.2, NM_001363875.2, NM_001377959.1 and 1 more transcripts); short protein forms P19R.
Identifiers: ClinVar variation 3367733 (VCV003367733.1).
Genomic context (GRCh38, chr2:32,063,887, plus strand): 5'-TGTGAATGAATTCTCCGGGTGGACGAGGGAAGAAGAAAGGCTCCGGCGGCGCCAGCAACC[C>G]GGTGCCTCCCAGGCCTCCGCCCCCTTGCCTGGCCCCCGCCCCTCCCGCCGCCGGGCCGGC-3'
Protein context (NP_055761.2, residues 9-29): KKKGSGGASN[Pro19Arg]VPPRPPPPCL